The following is an entry in ClinVar:

ClinVar aggregate classification (germline): Benign. Review status: criteria provided, multiple submitters, no conflicts (2 of 4 stars). 2 submissions from 2 submitters: Benign (2). Last evaluated 2023-10-01.

Allele frequency attached by ClinVar (database versions not stated): gnomAD 0.00528 and 0.00586; TOPMed 0.00559; ESP Exome Variant Server 0.00615; gnomAD exomes 0.00710 and 0.00955; 1000 Genomes Project 0.00719; 1000 Genomes Project 30x 0.00734; ExAC 0.00938.
gnomAD v4.1: 11,447 of 1,614,220 alleles (0.71%); highest among the groups gnomAD compares: Middle Eastern, 4%; 123 homozygotes.

Submissions (2):

CeGaT Center for Human Genetics Tuebingen
Classification: Benign. Last evaluated: 2023-10-01. Review status: criteria provided, single submitter. Criteria: CeGaT Center For Human Genetics Tuebingen Variant Classification Criteria Version 2. Collection method: clinical testing. Allele origin: germline. Affected: yes. Observed: 1 variant allele.
Comment: IGF2R: BP4, BS1, BS2

Labcorp Genetics (formerly Invitae), Labcorp
Classification: Benign. Last evaluated: 2018-07-26. Review status: criteria provided, single submitter. Criteria: Invitae Variant Classification Sherloc (09022015). Collection method: clinical testing. Allele origin: germline.

NM_000876.4(IGF2R):c.2449C>G (p.Leu817Val)

Gene: IGF2R (insulin like growth factor 2 receptor; plus strand). Cytogenetic location: 6q25.3.
Variant type: single nucleotide variant.
Coding change: c.2449C>G on transcript NM_000876.4 (MANE Select); coding-DNA position 2449, C replaced by G.
Protein change: p.Leu817Val; replaces leucine 817 with valine.
Molecular consequence: missense variant.
Genome position (GRCh38, 1-based): chr6:160,048,478, C>G. VCF-style: chr6-160048478-C-G. GRCh37 (hg19) VCF-style: chr6-160469510-C-G.
Other names: short protein forms L817V.
Identifiers: ClinVar variation 771868 (VCV000771868.27), dbSNP rs8191808, ClinGen allele CA4081929.